The following is an entry in ClinVar:

NM_032242.4(PLXNA1):c.135G>A (p.Ser45=)

Gene: PLXNA1 (plexin A1; plus strand). Cytogenetic location: 3q21.3.
Variant type: single nucleotide variant.
Coding change: c.135G>A on transcript NM_032242.4 (MANE Select); coding-DNA position 135, G replaced by A.
Protein change: p.Ser45=; no amino-acid change (serine 45 retained).
Molecular consequence: synonymous variant.
Genome position (GRCh38, 1-based): chr3:126,988,728, G>A. VCF-style: chr3-126988728-G-A. GRCh37 (hg19) VCF-style: chr3-126707571-G-A.
Other names: c.135G>A (NM_032242.3).
Identifiers: ClinVar variation 2958228 (VCV002958228.5), dbSNP rs144129798, ClinGen allele CA2592917.

ClinVar aggregate classification (germline): Likely benign. Review status: criteria provided, multiple submitters, no conflicts (2 of 4 stars). 2 submissions from 2 submitters: Likely benign (2). Last evaluated 2026-06-29.

Conditions:
PLXNA1-related disorder. Also called: PLXNA1-related condition.

Allele frequency attached by ClinVar (database versions not stated): ExAC 0.00002; gnomAD 0.00003; TOPMed 0.00003; ESP Exome Variant Server 0.00015.
gnomAD v4.1: 16 of 1,580,674 alleles (0.001%); highest among the groups gnomAD compares: East Asian, 0.0045%; no homozygotes.

Submissions (2):

PreventionGenetics, part of Exact Sciences
Classification: Likely benign for PLXNA1-related condition. Last evaluated: 2026-06-29. Review status: criteria provided, single submitter. Criteria: ACMG Guidelines, 2015. Collection method: clinical testing. Allele origin: germline.
Comment: This variant is classified as likely benign based on ACMG/AMP sequence variant interpretation guidelines (Richards et al. 2015 PMID: 25741868, with internal and published modifications).

Labcorp Genetics (formerly Invitae), Labcorp
Classification: Likely benign. Last evaluated: 2023-11-17. Review status: criteria provided, single submitter. Criteria: Invitae Variant Classification Sherloc (09022015). Collection method: clinical testing. Allele origin: germline.